The following is an entry in ClinVar:

NM_001377.3(DYNC2H1):c.4484_4488del (p.Asn1495fs)

Gene: DYNC2H1 (dynein cytoplasmic 2 heavy chain 1; plus strand). Cytogenetic location: 11q22.3.
Variant type: Deletion.
Coding change: c.4484_4488del on transcript NM_001377.3 (MANE Select); coding-DNA positions 4484 to 4488, 5 bases deleted (ATGTA; older notation c.4484_4488delATGTA).
Protein change: p.Asn1495fs; shifts the reading frame from asparagine 1495.
Molecular consequence: frameshift variant.
Genome position (GRCh38, 1-based): chr11:103,161,037-103,161,041, ATGTA deleted; deleting any 5 consecutive bases within chr11:103,161,035-103,161,041 gives the same sequence; the c. name uses the placement nearest the transcript's 3' end. VCF-style (leftmost placement, unchanged base first): chr11-103161034-ATAATG-A. GRCh37 (hg19) VCF-style: chr11-103031763-ATAATG-A.
Other names: c.4484_4488del, p.Asn1495fs (NM_001080463.2); short protein forms N1495fs.
Identifiers: ClinVar variation 3718626 (VCV003718626.3).

ClinVar aggregate classification (germline): Pathogenic/Likely pathogenic. Review status: criteria provided, multiple submitters, no conflicts (2 of 4 stars). 2 submissions from 2 submitters: Pathogenic (1); Likely pathogenic (1). Last evaluated 2024-02-14.

Conditions:
DYNC2H1-related disorder. Also called: DYNC2H1-related disorders; DYNC2H1-related condition. Identifiers: MedGen CN378770.
Jeune thoracic dystrophy. Also called: Jeune syndrome; Infantile thoracic dystrophy; Thoracic pelvic phalangeal dystrophy; Jeune's syndrome; Chondroectodermal dysplasia-like syndrome; Short-rib thoracic dysplasia. Identifiers: Orphanet 474, MedGen C0265275, MONDO:0018770.

Submissions (2):

Labcorp Genetics (formerly Invitae), Labcorp
Classification: Pathogenic for Jeune thoracic dystrophy. Last evaluated: 2024-02-14. Review status: criteria provided, single submitter. Criteria: Invitae Variant Classification Sherloc (09022015). Collection method: clinical testing. Allele origin: germline.
Comment: This sequence change creates a premature translational stop signal (p.Asn1495Argfs*6) in the DYNC2H1 gene. It is expected to result in an absent or disrupted protein product. Loss-of-function variants in DYNC2H1 are known to be pathogenic (PMID: 23339108, 32753734, 33755199). This variant is not present in population databases (gnomAD no frequency). This variant has not been reported in the literature in individuals affected with DYNC2H1-related conditions. For these reasons, this variant has been classified as Pathogenic.

Blueprint Genetics
Classification: Likely pathogenic for DYNC2H1-related disorders. Last evaluated: 2022-02-03. Review status: criteria provided, single submitter. Criteria: ACMG Guidelines, 2015. Collection method: clinical testing. Allele origin: germline. Affected: yes. Observed: 1 variant allele.

Literature cited by the submitters: PubMed 23339108 (cited by Labcorp Genetics (formerly Invitae), Labcorp); PubMed 32753734 (cited by Labcorp Genetics (formerly Invitae), Labcorp); PubMed 33755199 (cited by Labcorp Genetics (formerly Invitae), Labcorp).